The following is an entry in ClinVar:

NM_000138.5(FBN1):c.3806T>C (p.Phe1269Ser)

Gene: FBN1 (fibrillin 1; minus strand). Cytogenetic location: 15q21.1.
Variant type: single nucleotide variant.
Coding change: c.3806T>C on transcript NM_000138.5 (MANE Select); coding-DNA position 3806, T replaced by C.
Protein change: p.Phe1269Ser; replaces phenylalanine 1269 with serine.
Molecular consequence: missense variant.
Genome position (GRCh38, 1-based): chr15:48,483,850, A>G on the plus strand (T>C on the coding strand, the complement: FBN1 is on the minus strand). VCF-style: chr15-48483850-A-G. GRCh37 (hg19) VCF-style: chr15-48776047-A-G.
Other names: c.3806T>C, p.Phe1269Ser (NM_001406716.1); short protein forms F1269S.
Identifiers: ClinVar variation 2579847 (VCV002579847.2), dbSNP rs2505540759, ClinGen allele CA392323719.

ClinVar aggregate classification (germline): Uncertain significance. Review status: criteria provided, multiple submitters, no conflicts (2 of 4 stars). 2 submissions from 2 submitters: Uncertain significance (2). Last evaluated 2025-12-01.

Conditions:
Marfan syndrome (MFS). Also called: MARFAN SYNDROME, TYPE I; FBN1-Related Marfan Syndrome; Marfan syndrome type 1; Marfan's syndrome; Marfan syndrome, classic. Identifiers: Orphanet 284963, Orphanet 558, MedGen C0024796, MONDO:0007947, OMIM 154700.
Familial thoracic aortic aneurysm and aortic dissection (TAAD). Also called: Thoracic aortic aneurysms and dissections. Identifiers: Orphanet 91387, MedGen C4707243, MONDO:0019625.

Allele frequency attached by ClinVar (database versions not stated): gnomAD exomes below 0.00001.
gnomAD v4.1: 1 of 1,613,826 alleles (0.000062%); highest among the groups gnomAD compares: Non-Finnish European, 0.000085%; no homozygotes.

Submissions (2):

Labcorp Genetics (formerly Invitae), Labcorp
Classification: Uncertain significance for Marfan syndrome; Familial thoracic aortic aneurysm and aortic dissection. Last evaluated: 2025-12-01. Review status: criteria provided, single submitter. Criteria: Invitae Variant Classification Sherloc (09022015). Collection method: clinical testing. Allele origin: germline.
Comment: This sequence change replaces phenylalanine, which is neutral and non-polar, with serine, which is neutral and polar, at codon 1269 of the FBN1 protein (p.Phe1269Ser). This variant is not present in population databases (gnomAD no frequency). This variant has not been reported in the literature in individuals affected with FBN1-related conditions. ClinVar contains an entry for this variant (Variation ID: 2579847). Invitae Evidence Modeling of protein sequence and biophysical properties (such as structural, functional, and spatial information, amino acid conservation, physicochemical variation, residue mobility, and thermodynamic stability) indicates that this missense variant is expected to disrupt FBN1 protein function with a positive predictive value of 95%. In summary, the available evidence is currently insufficient to determine the role of this variant in disease. Therefore, it has been classified as a Variant of Uncertain Significance.

GeneDx
Classification: Uncertain significance. Last evaluated: 2023-03-14. Review status: criteria provided, single submitter. Criteria: GeneDx Variant Classification Process June 2021. Collection method: clinical testing. Allele origin: germline. Affected: yes.
Comment: Not observed at significant frequency in large population cohorts (gnomAD); In silico analysis supports that this missense variant has a deleterious effect on protein structure/function; Has not been previously published as pathogenic or benign to our knowledge